The following is an entry in ClinVar:

ClinVar aggregate classification (germline): Uncertain significance (1 of 4 stars; one submission).

Conditions:
Dilated cardiomyopathy 1G (CMD1G). Identifiers: Orphanet 154, MedGen C1858763, MONDO:0011400, OMIM 604145.
Autosomal recessive limb-girdle muscular dystrophy type 2J (LGMDR10). Also called: Limb-girdle muscular dystrophy, type 2J; MUSCULAR DYSTROPHY, LIMB-GIRDLE, AUTOSOMAL RECESSIVE 10. Identifiers: Orphanet 140922, MedGen C1837342, MONDO:0012127, OMIM 608807.

Submission:

Labcorp Genetics (formerly Invitae), Labcorp
Classification: Uncertain significance for Dilated cardiomyopathy 1G; Autosomal recessive limb-girdle muscular dystrophy type 2J. Last evaluated: 2021-07-14. Review status: criteria provided, single submitter. Criteria: Invitae Variant Classification Sherloc (09022015). Collection method: clinical testing. Allele origin: germline.
Comment: This sequence change replaces histidine with glutamine at codon 34353 of the TTN protein (p.His34353Gln). There is a small physicochemical difference between histidine and glutamine. This variant is not present in population databases (ExAC no frequency). This variant has not been reported in the literature in individuals affected with TTN-related conditions. Experimental studies and prediction algorithms are not available or were not evaluated, and the functional significance of this variant is currently unknown. In summary, the available evidence is currently insufficient to determine the role of this variant in disease. Therefore, it has been classified as a Variant of Uncertain Significance. This variant is located in the M band of TTN (PMID: 25589632). Variants in this region may be relevant for neuromuscular disorders, but have not been definitively shown to cause cardiomyopathy (PMID: 23975875).

Literature cited by the submitters: PubMed 25589632; PubMed 23975875.

NM_001267550.2(TTN):c.103059C>A (p.His34353Gln)

Genes: TTN-AS1 (TTN antisense RNA 1; plus strand), TTN (titin; minus strand). Cytogenetic location: 2q31.2.
Variant type: single nucleotide variant.
Coding change: c.103059C>A on transcript NM_001267550.2 (MANE Select); coding-DNA position 103059, C replaced by A.
Protein change: p.His34353Gln; replaces histidine 34353 with glutamine.
Molecular consequence: missense variant.
Genome position (GRCh38, 1-based): chr2:178,533,556, G>T on the plus strand (C>A on the coding strand, the complement: TTN is on the minus strand). VCF-style: chr2-178533556-G-T. GRCh37 (hg19) VCF-style: chr2-179398283-G-T.
Other names: c.98136C>A, p.His32712Gln (NM_001256850.1); c.75864C>A, p.His25288Gln (NM_003319.4); c.95355C>A, p.His31785Gln (NM_133378.4); c.76239C>A, p.His25413Gln (NM_133432.3); c.76440C>A, p.His25480Gln (NM_133437.4); short protein forms H31785Q, H32712Q, H25288Q, H25413Q, H25480Q, H34353Q.
Identifiers: ClinVar variation 1490370 (VCV001490370.8), dbSNP rs2154135228, ClinGen allele CA349415334.